The following is an entry in ClinVar:

ClinVar aggregate classification (germline): Uncertain significance. Review status: criteria provided, multiple submitters, no conflicts (2 of 4 stars). 2 submissions from 2 submitters: Uncertain significance (2). Last evaluated 2025-12-30.

Conditions:
PLXNA1-related disorder. Also called: PLXNA1-related condition.

Allele frequency attached by ClinVar (database versions not stated): 1000 Genomes Project 30x 0.00016; 1000 Genomes Project 0.00040.
gnomAD v4.1: 136 of 1,593,106 alleles (0.0085%); highest among the groups gnomAD compares: Admixed American, 0.035%; no homozygotes.

Submissions (2):

PreventionGenetics, part of Exact Sciences
Classification: Uncertain significance for PLXNA1-related condition. Last evaluated: 2025-12-30. Review status: criteria provided, single submitter. Criteria: ACMG Guidelines, 2015. Collection method: clinical testing. Allele origin: germline.
Comment: The PLXNA1 c.2587G>C variant is predicted to result in the amino acid substitution p.Asp863His. To our knowledge, this variant has not been reported in the literature. This variant is reported in 0.016% of alleles in individuals of European (non-Finnish) descent in gnomAD. At this time, the clinical significance of this variant is uncertain due to the absence of conclusive functional and genetic evidence.

Ambry Genetics
Classification: Uncertain significance. Last evaluated: 2024-10-01. Review status: criteria provided, single submitter. Criteria: Ambry Variant Classification Scheme 2023. Collection method: clinical testing. Allele origin: germline.

NM_032242.4(PLXNA1):c.2587G>C (p.Asp863His)

Gene: PLXNA1 (plexin A1; plus strand). Cytogenetic location: 3q21.3.
Variant type: single nucleotide variant.
Coding change: c.2587G>C on transcript NM_032242.4 (MANE Select); coding-DNA position 2587, G replaced by C.
Protein change: p.Asp863His; replaces aspartic acid 863 with histidine.
Molecular consequence: missense variant.
Genome position (GRCh38, 1-based): chr3:127,014,358, G>C. VCF-style: chr3-127014358-G-C. GRCh37 (hg19) VCF-style: chr3-126733201-G-C.
Other names: short protein forms D863H.
Identifiers: ClinVar variation 2359225 (VCV002359225.6), dbSNP rs367569800, ClinGen allele CA2593671.
Genomic context (GRCh38, chr3:127,014,358, plus strand): 5'-TGCGCTGCCGACACACCTGCATCGTGGATGCACGCGCGTCACGGCAGCAGTCGCTGCACC[G>C]ACCCCAAGATCCTCAAGGTAGGGCCCCCAGCCCTGCCCCCACACCCCATGCCCCGCCCTG-3'
Protein context (NP_115618.3, residues 853-873): HARHGSSRCT[Asp863His]PKILKLSPET